The following is an entry in ClinVar:

ClinVar aggregate classification (germline): Uncertain significance (1 of 4 stars; one submission).

Conditions:
Familial intrahepatic cholestasis. Identifiers: Orphanet 284385, MedGen CN296401, MONDO:0017290.

Submission:

Genomenon, Inc
Classification: Uncertain significance for Familial intrahepatic cholestasis. Last evaluated: 2026-04-14. Review status: criteria provided, single submitter. Criteria: Genomenon Sequence Variant Interpretation Standards - Updated. Collection method: curation. Allele origin: germline. Affected: yes.
Comment: ATP8B1 p.Lys455Asn (c.1365G>C) is a missense variant that changes the amino acid at residue 455 from Lysine to Asparagine. This variant has been observed in at least one proband with features of ATP8B1-deficiency (PMID:28733223). It is absent or not present at a significant frequency in gnomAD. In silico models predict that this variant is possibly or probably damaging. In conclusion, we classify ATP8B1 p.Lys455Asn (c.1365G>C) as a variant of uncertain significance.

Literature cited by the submitters: PubMed 28733223.

NM_001374385.1(ATP8B1):c.1365G>C (p.Lys455Asn)

Gene: ATP8B1 (ATPase phospholipid transporting 8B1; minus strand). Cytogenetic location: 18q21.31.
Variant type: single nucleotide variant.
Coding change: c.1365G>C on transcript NM_001374385.1 (MANE Select); coding-DNA position 1365, G replaced by C.
Protein change: p.Lys455Asn; replaces lysine 455 with asparagine.
Molecular consequence: missense variant.
Genome position (GRCh38, 1-based): chr18:57,688,363, C>G on the plus strand (G>C on the coding strand, the complement: ATP8B1 is on the minus strand). VCF-style: chr18-57688363-C-G. GRCh37 (hg19) VCF-style: chr18-55355595-C-G.
Other names: c.1215G>C, p.Lys405Asn (NM_001374386.1); c.1365G>C, p.Lys455Asn (NM_005603.6); short protein forms K405N, K455N.
Identifiers: ClinVar variation 4846237 (VCV004846237.1).
Genomic context (GRCh38, chr18:57,688,363, plus strand): 5'-TATCTGCCCGTTGATACAGCACTTTTTAAAGGTCATGATATTTTGTGTGAGTGTCCCCGT[C>G]TTATCAGAGAAGATATAATGGATCTGCCCGAGCTGTTCATTGAGTGTGGTGGTTCTAGCT-3'
Protein context (NP_001361314.1, residues 445-465): LGQIHYIFSD[Lys455Asn]TGTLTQNIMT